The following is an entry in ClinVar:

ClinVar aggregate classification (germline): Likely benign (1 of 4 stars; one submission).

Allele frequency attached by ClinVar (database versions not stated): gnomAD 0.00001; TOPMed 0.00001.

Submission:

GeneDx
Classification: Likely benign. Last evaluated: 2023-10-03. Review status: criteria provided, single submitter. Criteria: GeneDx Variant Classification Process June 2021. Collection method: clinical testing. Allele origin: germline.
Comment: See Variant Classification Assertion Criteria.

NM_019066.5(MAGEL2):c.340C>T (p.Pro114Ser)

Gene: MAGEL2 (MAGE family member L2; minus strand). Cytogenetic location: 15q11.2.
Variant type: single nucleotide variant.
Coding change: c.340C>T on transcript NM_019066.5 (MANE Select); coding-DNA position 340, C replaced by T.
Protein change: p.Pro114Ser; replaces proline 114 with serine.
Molecular consequence: missense variant.
Genome position (GRCh38, 1-based): chr15:23,647,403, G>A on the plus strand (C>T on the coding strand, the complement: MAGEL2 is on the minus strand). VCF-style: chr15-23647403-G-A. GRCh37 (hg19) VCF-style: chr15-23892550-G-A.
Other names: short protein forms P114S.
Identifiers: ClinVar variation 2500437 (VCV002500437.2), dbSNP rs995292512, ClinGen allele CA267661685.